The following is an entry in ClinVar:

NM_018136.5(ASPM):c.8043dup (p.Arg2682fs)

Gene: ASPM (assembly factor for spindle microtubules; minus strand). Cytogenetic location: 1q31.3.
Variant type: Duplication.
Coding change: c.8043dup on transcript NM_018136.5 (MANE Select); coding-DNA position 8043, one base duplicated (A; older notation c.8043dupA).
Protein change: p.Arg2682fs; shifts the reading frame from arginine 2682.
Molecular consequence: frameshift variant. On other transcripts: intron variant (1).
Genome position (GRCh38, 1-based): chr1:197,101,208, T duplicated on the plus strand (A on the coding strand, the reverse complement: ASPM is on the minus strand). VCF-style (leftmost placement, unchanged base first): chr1-197101207-G-GT. GRCh37 (hg19) VCF-style: chr1-197070337-G-GT.
Other names: c.4066-5044dup (NM_001206846.2); short protein forms R2682fs.
Identifiers: ClinVar variation 234259 (VCV000234259.1), dbSNP rs876660960, ClinGen allele CA10577223.

ClinVar aggregate classification (germline): Pathogenic (1 of 4 stars; one submission).

Allele frequency attached by ClinVar (database versions not stated): gnomAD exomes below 0.00001 and 0.00002.

Submission:

GeneDx
Classification: Pathogenic. Last evaluated: 2016-08-15. Review status: criteria provided, single submitter. Criteria: GeneDx Variant Classification (06012015). Collection method: clinical testing. Allele origin: germline. Affected: yes.
Comment: The c.8043dupA mutation in the ASPM gene causes a frameshift starting with codon Arginine 2682, changes this amino acid to a Threonine residue and creates a premature Stop codon at position 26 of the new reading frame, denoted p.Arg2682ThrfsX26. This mutation is predicted to cause loss of normal protein function either through protein truncation or nonsense-mediated mRNA decay.